The following is an entry in ClinVar:

ClinVar aggregate classification (germline): Conflicting classifications of pathogenicity. Review status: criteria provided, conflicting classifications (1 of 4 stars). 4 submissions from 4 submitters: Uncertain significance (3); Likely benign (1). Last evaluated 2024-05-06.

Conditions:
Fanconi anemia (FA). Also called: Fanconi's anemia. Identifiers: Orphanet 84, MedGen C0015625, MeSH D005199, MONDO:0019391.
Fanconi anemia complementation group I (FANCI). Also called: FANCI-Related Fanconi Anemia. Identifiers: Orphanet 84, MedGen C1836861, MONDO:0012186, OMIM 609053.

Allele frequency attached by ClinVar (database versions not stated): gnomAD 0.00001; gnomAD exomes 0.00001 and 0.00002; TOPMed 0.00001; 1000 Genomes Project 0.00020; 1000 Genomes Project 30x 0.00031.
gnomAD v4.1: 22 of 1,601,908 alleles (0.0014%); highest among the groups gnomAD compares: Non-Finnish European, 0.0017%; no homozygotes.

Submissions (4):

Labcorp Genetics (formerly Invitae), Labcorp
Classification: Likely benign for Fanconi anemia. Last evaluated: 2024-05-06. Review status: criteria provided, single submitter. Criteria: Invitae Variant Classification Sherloc (09022015). Collection method: clinical testing. Allele origin: germline.

Sema4
Classification: Uncertain significance for Fanconi anemia. Last evaluated: 2021-10-22. Review status: criteria provided, single submitter. Criteria: Sema4 Curation Guidelines. Collection method: curation. Allele origin: germline.
Comment: The FANCI c.1017G>A (p.K339=) variant has not been reported in the literature to our knowledge. It was observed in 4/101804 chromosomes of the Non-Finnish European subpopulation in the large and broad cohorts of the Genome Aggregation Database (PMID: 32461654). The variant has been reported in ClinVar (Variation ID 886651). In silico tools suggest that the variant may not have an impact on splicing, though these predictions have not been confirmed by functional studies. The evidence is insufficient to meet ACMG/AMP criteria for classifying the variant as benign or pathogenic. Thus, the clinical significance of this variant is currently uncertain.

Illumina Laboratory Services, Illumina
Classification: Uncertain significance for Fanconi anemia complementation group I. Last evaluated: 2017-04-27. Review status: criteria provided, single submitter. Criteria: ICSL Variant Classification Criteria 13 December 2019. Collection method: clinical testing. Allele origin: germline.

Breakthrough Genomics
Classification: Uncertain significance. Review status: criteria provided, single submitter. Criteria: ACMG Guidelines, 2015. Collection method: not provided. Allele origin: germline. Inheritance: Autosomal recessive inheritance. Affected: yes.

NM_001113378.2(FANCI):c.1017G>A (p.Lys339=)

Gene: FANCI (FA complementation group I; plus strand). Cytogenetic location: 15q26.1.
Variant type: single nucleotide variant.
Coding change: c.1017G>A on transcript NM_001113378.2 (MANE Select); coding-DNA position 1017, G replaced by A.
Protein change: p.Lys339=; no amino-acid change (lysine 339 retained).
Molecular consequence: synonymous variant.
Genome position (GRCh38, 1-based): chr15:89,274,209, G>A. VCF-style: chr15-89274209-G-A. GRCh37 (hg19) VCF-style: chr15-89817440-G-A.
Other names: c.738G>A, p.Lys246= (NM_001376910.1); c.1017G>A, p.Lys339= (NM_001376911.1, NM_018193.3).
Identifiers: ClinVar variation 886651 (VCV000886651.9), dbSNP rs72762644, ClinGen allele CA274553421.